The following is an entry in ClinVar:

NM_001122681.2(SH3BP2):c.688G>T (p.Gly230Cys)

Gene: SH3BP2 (SH3 domain binding protein 2; plus strand). Cytogenetic location: 4p16.3.
Variant type: single nucleotide variant.
Coding change: c.688G>T on transcript NM_001122681.2 (MANE Select); coding-DNA position 688, G replaced by T.
Protein change: p.Gly230Cys; replaces glycine 230 with cysteine.
Molecular consequence: missense variant.
Genome position (GRCh38, 1-based): chr4:2,829,594, G>T. VCF-style: chr4-2829594-G-T. GRCh37 (hg19) VCF-style: chr4-2831321-G-T.
Other names: p.Gly230Cys; c.688G>T, p.Gly230Cys (LRG_1334t1, NM_003023.4); c.772G>T, p.Gly258Cys (LRG_1334t2, NM_001145855.2); c.859G>T, p.Gly287Cys (NM_001145856.2); short protein forms G230C, G258C, G287C.
Identifiers: ClinVar variation 663593 (VCV000663593.9), dbSNP rs769244623, ClinGen allele CA2819296.
Genomic context (GRCh38, chr4:2,829,594, plus strand): 5'-CCCACGCCCAGGAAGCCAGCCTTCTCTGACATGCCCCGGGCCCACTCCTTTACCTCCAAG[G>T]GCCCCGGTCCCCTACTGCCACCCCCGCCCCCTAAGCACGGCCTCCCAGATGTTGGCCTGG-3'
Protein context (NP_001116153.1, residues 220-240): MPRAHSFTSK[Gly230Cys]PGPLLPPPPP

ClinVar aggregate classification (germline): Uncertain significance. Review status: criteria provided, multiple submitters, no conflicts (2 of 4 stars). 2 submissions from 2 submitters: Uncertain significance (2). Last evaluated 2025-12-19.

Conditions:
Fibrous dysplasia of jaw (CRBM). Also called: Cherubism. Identifiers: Orphanet 184, MedGen C0008029, MONDO:0007315, OMIM 118400.

Allele frequency attached by ClinVar (database versions not stated): ExAC 0.00001; gnomAD exomes 0.00002.

Submissions (2):

Labcorp Genetics (formerly Invitae), Labcorp
Classification: Uncertain significance for Fibrous dysplasia of jaw. Last evaluated: 2025-12-19. Review status: criteria provided, single submitter. Criteria: Invitae Variant Classification Sherloc (09022015). Collection method: clinical testing. Allele origin: germline.
Comment: This sequence change replaces glycine, which is neutral and non-polar, with cysteine, which is neutral and slightly polar, at codon 230 of the SH3BP2 protein (p.Gly230Cys). This variant is present in population databases (rs769244623, gnomAD 0.003%). This variant has not been reported in the literature in individuals affected with SH3BP2-related conditions. ClinVar contains an entry for this variant (Variation ID: 663593). An algorithm developed to predict the effect of missense changes on protein structure and function outputs the following: PolyPhen-2: "Benign". The cysteine amino acid residue is found in multiple mammalian species, which suggests that this missense change does not adversely affect protein function. In summary, the available evidence is currently insufficient to determine the role of this variant in disease. Therefore, it has been classified as a Variant of Uncertain Significance.

Mayo Clinic Laboratories, Mayo Clinic
Classification: Uncertain significance. Last evaluated: 2022-10-05. Review status: criteria provided, single submitter. Criteria: ACMG Guidelines, 2015. Collection method: clinical testing. Allele origin: germline. Observed: 1 variant allele.